The following is an entry in ClinVar:

NM_152617.4(RNF168):c.1229T>C (p.Val410Ala)

Gene: RNF168 (ring finger protein 168; minus strand). Cytogenetic location: 3q29.
Variant type: single nucleotide variant.
Coding change: c.1229T>C on transcript NM_152617.4 (MANE Select); coding-DNA position 1229, T replaced by C.
Protein change: p.Val410Ala; replaces valine 410 with alanine.
Molecular consequence: missense variant.
Genome position (GRCh38, 1-based): chr3:196,472,306, A>G on the plus strand (T>C on the coding strand, the complement: RNF168 is on the minus strand). VCF-style: chr3-196472306-A-G. GRCh37 (hg19) VCF-style: chr3-196199177-A-G.
Other names: c.1229T>C (NM_152617.3); short protein forms V410A.
Identifiers: ClinVar variation 1502477 (VCV001502477.8), dbSNP rs775267478, ClinGen allele CA2780695.

ClinVar aggregate classification (germline): Uncertain significance. Review status: criteria provided, multiple submitters, no conflicts (2 of 4 stars). 2 submissions from 2 submitters: Uncertain significance (2). Last evaluated 2024-04-04.

Conditions:
Inborn genetic diseases. Identifiers: MedGen C0950123, MeSH D030342.

Allele frequency attached by ClinVar (database versions not stated): gnomAD 0.00001; gnomAD exomes 0.00001 and 0.00003; TOPMed 0.00001; ExAC 0.00002.
gnomAD v4.1: 8 of 1,613,876 alleles (0.0005%); highest among the groups gnomAD compares: Admixed American, 0.0067%; no homozygotes.

Submissions (2):

Ambry Genetics
Classification: Uncertain significance for Inborn genetic diseases. Last evaluated: 2024-04-04. Review status: criteria provided, single submitter. Criteria: Ambry Variant Classification Scheme 2023. Collection method: clinical testing. Allele origin: germline.

Labcorp Genetics (formerly Invitae), Labcorp
Classification: Uncertain significance. Last evaluated: 2023-08-10. Review status: criteria provided, single submitter. Criteria: Invitae Variant Classification Sherloc (09022015). Collection method: clinical testing. Allele origin: germline.
Comment: This variant has not been reported in the literature in individuals affected with RNF168-related conditions. This variant is present in population databases (rs775267478, gnomAD 0.01%). This sequence change replaces valine, which is neutral and non-polar, with alanine, which is neutral and non-polar, at codon 410 of the RNF168 protein (p.Val410Ala). In summary, the available evidence is currently insufficient to determine the role of this variant in disease. Therefore, it has been classified as a Variant of Uncertain Significance. An algorithm developed to predict the effect of missense changes on protein structure and function (PolyPhen-2) suggests that this variant¬†is likely to be tolerated. ClinVar contains an entry for this variant (Variation ID: 1502477).